The following is an entry in ClinVar:

NM_001042492.3(NF1):c.6163T>C (p.Cys2055Arg)

Gene: NF1 (neurofibromin 1; plus strand). Cytogenetic location: 17q11.2.
Variant type: single nucleotide variant.
Coding change: c.6163T>C on transcript NM_001042492.3 (MANE Select); coding-DNA position 6163, T replaced by C.
Protein change: p.Cys2055Arg; replaces cysteine 2055 with arginine.
Molecular consequence: missense variant.
Genome position (GRCh38, 1-based): chr17:31,336,650, T>C. VCF-style: chr17-31336650-T-C. GRCh37 (hg19) VCF-style: chr17-29663668-T-C.
Other names: c.6100T>C, p.Cys2034Arg (NM_000267.4); short protein forms C2055R, C2034R.
Identifiers: ClinVar variation 3634583 (VCV003634583.2).

ClinVar aggregate classification (germline): Uncertain significance (1 of 4 stars; one submission).

Conditions:
Neurofibromatosis, type 1 (NF1). Also called: VON RECKLINGHAUSEN DISEASE; Peripheral type neurofibromatosis; NEUROFIBROMATOSIS, TYPE I, SOMATIC; Neurofibromatosis, type I. Identifiers: Orphanet 636, MedGen C0027831, MONDO:0018975, OMIM 162200. Disease mechanism: loss of function.

Submission:

Labcorp Genetics (formerly Invitae), Labcorp
Classification: Uncertain significance for Neurofibromatosis, type 1. Last evaluated: 2024-11-25. Review status: criteria provided, single submitter. Criteria: Invitae Variant Classification Sherloc (09022015). Collection method: clinical testing. Allele origin: germline.
Comment: This sequence change replaces cysteine, which is neutral and slightly polar, with arginine, which is basic and polar, at codon 2034 of the NF1 protein (p.Cys2034Arg). This variant is not present in population databases (gnomAD no frequency). This variant has not been reported in the literature in individuals affected with NF1-related conditions. Invitae Evidence Modeling of protein sequence and biophysical properties (such as structural, functional, and spatial information, amino acid conservation, physicochemical variation, residue mobility, and thermodynamic stability) indicates that this missense variant is expected to disrupt NF1 protein function with a positive predictive value of 95%. In summary, the available evidence is currently insufficient to determine the role of this variant in disease. Therefore, it has been classified as a Variant of Uncertain Significance.